The following is an entry in ClinVar:

ClinVar aggregate classification (germline): Likely benign (1 of 4 stars; one submission).

gnomAD v4.1: 1 of 1,614,150 alleles (0.000062%); highest among the groups gnomAD compares: East Asian, 0.0022%; no homozygotes.

Submission:

Women's Health and Genetics/Laboratory Corporation of America, LabCorp
Classification: Likely benign. Last evaluated: 2026-05-06. Review status: criteria provided, single submitter. Criteria: LabCorp Variant Classification Summary - May 2015. Collection method: clinical testing. Allele origin: germline.
Comment: Variant summary: DSE c.2283G>A alters a conserved nucleotide resulting in a synonymous change. Consensus agreement among computation tools predict no significant impact on normal splicing. However, these predictions have yet to be confirmed by functional studies. The variant allele was found at a frequency of 4e-06 in 250762 control chromosomes. The available data on variant occurrences in the general population are insufficient to allow any conclusion about variant significance. To our knowledge, no occurrence of c.2283G>A in individuals affected with DSE-related conditions and no experimental evidence demonstrating its impact on protein function have been reported. No submitters have cited clinical-significance assessments for this variant to ClinVar. Based on the evidence outlined above, the variant was classified as likely benign.

NM_013352.4(DSE):c.2283G>A (p.Leu761=)

Gene: DSE (dermatan sulfate epimerase; plus strand). Cytogenetic location: 6q22.1.
Variant type: single nucleotide variant.
Coding change: c.2283G>A on transcript NM_013352.4 (MANE Select); coding-DNA position 2283, G replaced by A.
Protein change: p.Leu761=; no amino-acid change (leucine 761 retained).
Molecular consequence: synonymous variant. On other transcripts: 3 prime UTR variant (2), non-coding transcript variant (1).
Genome position (GRCh38, 1-based): chr6:116,436,751, G>A. VCF-style: chr6-116436751-G-A. GRCh37 (hg19) VCF-style: chr6-116757914-G-A.
Other names: c.2283G>A, p.Leu761= (NM_001080976.3, NM_001322937.2, NM_001322938.2); c.2340G>A, p.Leu780= (NM_001322939.2); c.1722G>A, p.Leu574= (NM_001322940.2, NM_001322941.2); c.*1148G>A (NM_001322943.2, NM_001322944.2); c.1284G>A, p.Leu428= (NM_001374520.1); c.1248G>A, p.Leu416= (NM_001374521.1).
Identifiers: ClinVar variation 4853517 (VCV004853517.1).